The following is an entry in ClinVar:

ClinVar aggregate classification (germline): Likely benign (1 of 4 stars; one submission).

Conditions:
Ehlers-Danlos syndrome, type 4 (EDSVASC). Also called: Ehlers-Danlos syndrome vascular type; Ehlers Danlos syndrome, ecchymotic type; Ehlers Danlos syndrome, arterial type; Ehlers Danlos syndrome, Sack-Barabas type; Ehlers-Danlos Syndrome Type IV. Identifiers: Orphanet 286, MedGen C0268338, MONDO:0017314, OMIM 130050.

Submission:

All of Us Research Program, National Institutes of Health
Classification: Likely benign for Ehlers-Danlos syndrome, type 4. Last evaluated: 2024-08-13. Review status: criteria provided, single submitter. Criteria: ACMG Guidelines, 2015. Collection method: clinical testing. Allele origin: germline. Inheritance: Autosomal dominant inheritance. Observed: 1 variant allele, 1 heterozygote.
Comment: This study involves interpretation of variants in research participants for the purpose of population health screening. Participant phenotype was not available at the time of variant classification. Additional details can be found in publication PMID: 35346344, PMCID: PMC8962531

NM_000090.4(COL3A1):c.930G>T (p.Arg310=)

Gene: COL3A1 (collagen type III alpha 1 chain; plus strand). Cytogenetic location: 2q32.2.
Variant type: single nucleotide variant.
Coding change: c.930G>T on transcript NM_000090.4 (MANE Select); coding-DNA position 930, G replaced by T.
Protein change: p.Arg310=; no amino-acid change (arginine 310 retained).
Molecular consequence: synonymous variant.
Genome position (GRCh38, 1-based): chr2:188,991,701, G>T. VCF-style: chr2-188991701-G-T. GRCh37 (hg19) VCF-style: chr2-189856427-G-T.
Identifiers: ClinVar variation 3386441 (VCV003386441.1).